The following is an entry in ClinVar:

NM_152564.5(VPS13B):c.6544C>A (p.Pro2182Thr)

Gene: VPS13B (vacuolar protein sorting 13 homolog B; plus strand). Cytogenetic location: 8q22.2.
Variant type: single nucleotide variant.
Coding change: c.6544C>A on transcript NM_152564.5 (MANE Select); coding-DNA position 6544, C replaced by A.
Protein change: p.Pro2182Thr; replaces proline 2182 with threonine.
Molecular consequence: missense variant.
Genome position (GRCh38, 1-based): chr8:99,717,260, C>A. VCF-style: chr8-99717260-C-A. GRCh37 (hg19) VCF-style: chr8-100729488-C-A.
Other names: c.6619C>A, p.Pro2207Thr (NM_017890.5); short protein forms P2182T, P2207T.
Identifiers: ClinVar variation 1492898 (VCV001492898.3), dbSNP rs778567402, ClinGen allele CA4824025.

ClinVar aggregate classification (germline): Uncertain significance (1 of 4 stars; one submission).

Conditions:
Cohen syndrome (COH1). Also called: PEPPER SYNDROME; Cutis verticis gyrata, retinitis pigmentosa, and sensorineural deafness. Identifiers: Orphanet 193, MedGen C0265223, MONDO:0008999, OMIM 216550.

Allele frequency attached by ClinVar (database versions not stated): TOPMed below 0.00001; ExAC 0.00001; gnomAD exomes 0.00001.
gnomAD v4.1: 10 of 1,613,950 alleles (0.00062%); highest among the groups gnomAD compares: South Asian, 0.0088%; no homozygotes.

Submission:

Labcorp Genetics (formerly Invitae), Labcorp
Classification: Uncertain significance for Cohen syndrome. Last evaluated: 2022-06-13. Review status: criteria provided, single submitter. Criteria: Invitae Variant Classification Sherloc (09022015). Collection method: clinical testing. Allele origin: germline.
Comment: This sequence change replaces proline with threonine at codon 2207 of the VPS13B protein (p.Pro2207Thr). The proline residue is moderately conserved and there is a small physicochemical difference between proline and threonine. This variant is present in population databases (rs778567402, gnomAD 0.006%). This variant has not been reported in the literature in individuals affected with VPS13B-related conditions. Algorithms developed to predict the effect of missense changes on protein structure and function are either unavailable or do not agree on the potential impact of this missense change (SIFT: "Not Available"; PolyPhen-2: "Possibly Damaging"; Align-GVGD: "Not Available"). In summary, the available evidence is currently insufficient to determine the role of this variant in disease. Therefore, it has been classified as a Variant of Uncertain Significance.